The following is an entry in ClinVar:

ClinVar aggregate classification (germline): Uncertain significance (1 of 4 stars; one submission).

Conditions:
BRCA1-related cancer predisposition. Identifiers: MedGen CN377757, MONDO:0700268.

Submission:

All of Us Research Program, National Institutes of Health
Classification: Uncertain significance for BRCA1-related cancer predisposition. Last evaluated: 2024-08-13. Review status: criteria provided, single submitter. Criteria: ACMG Guidelines, 2015. Collection method: clinical testing. Allele origin: germline. Inheritance: Autosomal dominant inheritance. Observed: 1 variant allele, 1 heterozygote.
Comment: This missense variant replaces leucine with arginine at codon 347 of the BRCA1 protein. Computational prediction is inconclusive regarding the impact of this variant on protein structure and function. To our knowledge, functional studies have not been reported for this variant. This variant has not been reported in individuals affected with BRCA1-related disorders in the literature. This variant has not been identified in the general population by the Genome Aggregation Database (gnomAD). The available evidence is insufficient to determine the role of this variant in disease conclusively. Therefore, this variant is classified as a Variant of Uncertain Significance.

This study involves interpretation of variants in research participants for the purpose of population health screening. Participant phenotype was not available at the time of variant classification. Additional details can be found in publication PMID: 35346344, PMCID: PMC8962531

NM_007294.4(BRCA1):c.1040T>G (p.Leu347Arg)

Gene: BRCA1 (BRCA1 DNA repair associated; minus strand). Cytogenetic location: 17q21.31.
Variant type: single nucleotide variant.
Coding change: c.1040T>G on transcript NM_007294.4 (MANE Select); coding-DNA position 1040, T replaced by G.
Protein change: p.Leu347Arg; replaces leucine 347 with arginine.
Molecular consequence: missense variant. On other transcripts: intron variant (137).
Genome position (GRCh38, 1-based): chr17:43,094,491, A>C on the plus strand (T>G on the coding strand, the complement: BRCA1 is on the minus strand). VCF-style: chr17-43094491-A-C. GRCh37 (hg19) VCF-style: chr17-41246508-A-C.
Other names: c.896T>G, p.Leu299Arg (NM_001407841.1, NM_001407842.1, NM_001407843.1 and 20 more transcripts); c.899T>G, p.Leu300Arg (NM_001407850.1, NM_001407851.1, NM_001407852.1 and 29 more transcripts); c.827T>G, p.Leu276Arg (NM_001407853.1, NM_001407894.1, NM_001407895.1 and 9 more transcripts); c.1040T>G, p.Leu347Arg (NM_001407854.1, NM_001407858.1, NM_001407859.1 and 30 more transcripts); c.1037T>G, p.Leu346Arg (NM_001407860.1, NM_001407861.1, NM_001407587.1 and 22 more transcripts); c.839T>G, p.Leu280Arg (NM_001407862.1); c.917T>G, p.Leu306Arg (NM_001407863.1, NM_001407919.1, NM_001407937.1 and 19 more transcripts); c.836T>G, p.Leu279Arg (NM_001407874.1, NM_001407875.1); and 40 more; short protein forms L179R, L219R, L220R, L235R, L236R, L258R, L259R, L276R.
Identifiers: ClinVar variation 3386223 (VCV003386223.1).